The following is an entry in ClinVar:

ClinVar aggregate classification (germline): Pathogenic (1 of 4 stars; one submission).

Submission:

GeneDx
Classification: Pathogenic. Last evaluated: 2018-06-07. Review status: criteria provided, single submitter. Criteria: GeneDx Variant Classification (06012015). Collection method: clinical testing. Allele origin: germline. Affected: yes.
Comment: The c.444_466del23 variant in the HIST1H1E gene has not been reported previously as a pathogenic variant nor as a benign variant, to our knowledge. The c.444_466del23 variant causes a frameshift starting with codon Lysine 149, changes this amino acid to a Glutamic acid residue, and creates a premature Stop codon at position 39 of the new reading frame, denoted p.Lys149GlufsX39. This variant is predicted to cause loss of normal protein function through protein truncation, as the last 71 amino acid residues are replaced by 38 incorrect amino acid residues. The c.444_466del23 variant is not observed in large population cohorts (Lek et al., 2016).

NM_005321.3(H1-4):c.444_466del (p.Lys149fs)

Gene: H1-4 (H1.4 linker histone, cluster member; plus strand). Cytogenetic location: 6p22.2.
Variant type: Deletion.
Coding change: c.444_466del on transcript NM_005321.3 (MANE Select); coding-DNA positions 444 to 466, 23 bases deleted (GAAGAGCGCCAAGAAGACCCCAA).
Protein change: p.Lys149fs; shifts the reading frame from lysine 149.
Molecular consequence: frameshift variant.
Genome position (GRCh38, 1-based): chr6:26,156,834-26,156,856, GAAGAGCGCCAAGAAGACCCCAA deleted; deleting any 23 consecutive bases within chr6:26,156,828-26,156,856 gives the same sequence; the c. name uses the placement nearest the transcript's 3' end. VCF-style (leftmost placement, unchanged base first): chr6-26156827-CCCCCAAGAAGAGCGCCAAGAAGA-C. GRCh37 (hg19) VCF-style: chr6-26157055-CCCCCAAGAAGAGCGCCAAGAAGA-C.
Other names: short protein forms K149fs.
Identifiers: ClinVar variation 817681 (VCV000817681.1), dbSNP rs1581429485, ClinGen allele CA658789595.